The following is an entry in ClinVar:

ClinVar aggregate classification (germline): Uncertain significance (1 of 4 stars; one submission).

Conditions:
Early-infantile DEE. Also called: Early infantile epileptic encephalopathy; Ohtahara syndrome; Early infantile epileptic encephalopathy with suppression bursts. Identifiers: Orphanet 1934, MedGen C0393706, MONDO:0800491.

Submission:

Labcorp Genetics (formerly Invitae), Labcorp
Classification: Uncertain significance for Early-infantile DEE. Last evaluated: 2025-01-15. Review status: criteria provided, single submitter. Criteria: Invitae Variant Classification Sherloc (09022015). Collection method: clinical testing. Allele origin: germline.
Comment: This sequence change replaces alanine, which is neutral and non-polar, with serine, which is neutral and polar, at codon 378 of the CACNA2D2 protein (p.Ala378Ser). This variant is not present in population databases (gnomAD no frequency). This variant has not been reported in the literature in individuals affected with CACNA2D2-related conditions. ClinVar contains an entry for this variant (Variation ID: 2128379). An algorithm developed to predict the effect of missense changes on protein structure and function (PolyPhen-2) suggests that this variant is likely to be disruptive. In summary, the available evidence is currently insufficient to determine the role of this variant in disease. Therefore, it has been classified as a Variant of Uncertain Significance.

NM_006030.4(CACNA2D2):c.1132G>T (p.Ala378Ser)

Gene: CACNA2D2 (calcium voltage-gated channel auxiliary subunit alpha2delta 2; minus strand). Cytogenetic location: 3p21.31.
Variant type: single nucleotide variant.
Coding change: c.1132G>T on transcript NM_006030.4 (MANE Select); coding-DNA position 1132, G replaced by T.
Protein change: p.Ala378Ser; replaces alanine 378 with serine.
Molecular consequence: missense variant.
Genome position (GRCh38, 1-based): chr3:50,379,452, C>A on the plus strand (G>T on the coding strand, the complement: CACNA2D2 is on the minus strand). VCF-style: chr3-50379452-C-A. GRCh37 (hg19) VCF-style: chr3-50416883-C-A.
Other names: c.1132G>T, p.Ala378Ser (NM_001005505.3, NM_001174051.3, NM_001410768.1); c.925G>T, p.Ala309Ser (NM_001291101.1); short protein forms A378S, A309S.
Identifiers: ClinVar variation 2128379 (VCV002128379.4), dbSNP rs2471029504, ClinGen allele CA352935319.